The following is an entry in ClinVar:

ClinVar aggregate classification (germline): Uncertain significance (1 of 4 stars; one submission).

Conditions:
Arrhythmogenic right ventricular dysplasia 13. Also called: ARRHYTHMOGENIC RIGHT VENTRICULAR CARDIOMYOPATHY 13; Arrhythmogenic right ventricular dysplasia, familial, 13. Identifiers: MedGen C3810138, MONDO:0000908, OMIM 615616.

Submission:

Labcorp Genetics (formerly Invitae), Labcorp
Classification: Uncertain significance for Arrhythmogenic right ventricular dysplasia 13. Last evaluated: 2024-09-23. Review status: criteria provided, single submitter. Criteria: Invitae Variant Classification Sherloc (09022015). Collection method: clinical testing. Allele origin: germline.
Comment: This sequence change replaces lysine, which is basic and polar, with asparagine, which is neutral and polar, at codon 409 of the CTNNA3 protein (p.Lys409Asn). This variant is not present in population databases (gnomAD no frequency). This variant has not been reported in the literature in individuals affected with CTNNA3-related conditions. Invitae Evidence Modeling of protein sequence and biophysical properties (such as structural, functional, and spatial information, amino acid conservation, physicochemical variation, residue mobility, and thermodynamic stability) indicates that this missense variant is not expected to disrupt CTNNA3 protein function with a negative predictive value of 80%. In summary, the available evidence is currently insufficient to determine the role of this variant in disease. Therefore, it has been classified as a Variant of Uncertain Significance.

NM_013266.4(CTNNA3):c.1227G>T (p.Lys409Asn)

Gene: CTNNA3 (catenin alpha 3; minus strand). Cytogenetic location: 10q21.3.
Variant type: single nucleotide variant.
Coding change: c.1227G>T on transcript NM_013266.4 (MANE Select); coding-DNA position 1227, G replaced by T.
Protein change: p.Lys409Asn; replaces lysine 409 with asparagine.
Molecular consequence: missense variant.
Genome position (GRCh38, 1-based): chr10:66,766,318, C>A on the plus strand (G>T on the coding strand, the complement: CTNNA3 is on the minus strand). VCF-style: chr10-66766318-C-A. GRCh37 (hg19) VCF-style: chr10-68526076-C-A.
Other names: c.1227G>T, p.Lys409Asn (NM_001127384.3); short protein forms K409N.
Identifiers: ClinVar variation 3704745 (VCV003704745.2).
Genomic context (GRCh38, chr10:66,766,318, plus strand): 5'-GCTTACCTCTACAAGCCTGCTGGTGTGTTCATGAAATATCGCAGCATATTCTTTTATTTC[C>A]TTTTCCCGGCCATTCTTAGCAGCTTCAATGAGAACCAAAAGAGGGACTGTCGTATCCAGG-3'
Protein context (NP_037398.2, residues 399-419): LIEAAKNGRE[Lys409Asn]EIKEYAAIFH